The following is an entry in ClinVar:

ClinVar aggregate classification (germline): Uncertain significance (0 of 4 stars; one submission).

Conditions:
CREBBP-related disorder. Also called: CREBBP-related condition; CREBBP-related disorders.

gnomAD v4.1: 1 of 1,614,084 alleles (0.000062%); highest among the groups gnomAD compares: Non-Finnish European, 0.000085%; no homozygotes.

Submission:

PreventionGenetics, part of Exact Sciences
Classification: Uncertain significance for CREBBP-related condition. Last evaluated: 2024-03-01. Review status: no assertion criteria provided. Collection method: clinical testing. Allele origin: germline.
Comment: The CREBBP c.6516C>A variant is predicted to result in the amino acid substitution p.Asn2172Lys. To our knowledge, this variant has not been reported in the literature. This variant is reported in 0.00091% of alleles in individuals of European (Non-Finnish) descent in gnomAD. At this time, the clinical significance of this variant is uncertain due to the absence of conclusive functional and genetic evidence.

NM_004380.3(CREBBP):c.6516C>A (p.Asn2172Lys)

Gene: CREBBP (CREB binding lysine acetyltransferase; minus strand). Cytogenetic location: 16p13.3.
Variant type: single nucleotide variant.
Coding change: c.6516C>A on transcript NM_004380.3 (MANE Select); coding-DNA position 6516, C replaced by A.
Protein change: p.Asn2172Lys; replaces asparagine 2172 with lysine.
Molecular consequence: missense variant.
Genome position (GRCh38, 1-based): chr16:3,728,531, G>T on the plus strand (C>A on the coding strand, the complement: CREBBP is on the minus strand). VCF-style: chr16-3728531-G-T. GRCh37 (hg19) VCF-style: chr16-3778532-G-T.
Other names: c.6402C>A, p.Asn2134Lys (NM_001079846.1); short protein forms N2134K, N2172K.
Identifiers: ClinVar variation 3349160 (VCV003349160.1).